The following is an entry in ClinVar:

ClinVar aggregate classification (germline): Conflicting classifications of pathogenicity. Review status: criteria provided, conflicting classifications (1 of 4 stars). 4 submissions from 3 submitters: Likely pathogenic (1); Uncertain significance (3). Last evaluated 2025-03-04.

Conditions:
Hereditary cancer-predisposing syndrome. Also called: Neoplastic Syndromes, Hereditary; Tumor predisposition; Hereditary Cancer Syndrome; Hereditary neoplastic syndrome. Identifiers: Orphanet 140162, MedGen C0027672, MeSH D009386, MONDO:0015356.
Hereditary leiomyomatosis and renal cell cancer. Also called: FH tumor predisposition syndrome; LEIOMYOMA, MULTIPLE CUTANEOUS; MULTIPLE CUTANEOUS AND UTERINE LEIOMYOMATA 1, WITH OR WITHOUT RENAL CELL CARCINOMA; Reed syndrome; Multiple cutaneous and uterine leiomyomatosis; Cutaneous leiomyomata with uterine leiomyomata. Identifiers: Orphanet 523, MedGen C1708350, MONDO:0007888, OMIM 150800, HP:0007437. Disease mechanism: loss of function.
Fumarase deficiency (FMRD). Also called: Fumaric aciduria; Fumarate Hydratase Deficiency. Identifiers: Orphanet 24, MedGen C0342770, MONDO:0011730, OMIM 606812.

Submissions (4):

Labcorp Genetics (formerly Invitae), Labcorp
Classification: Likely pathogenic. Last evaluated: 2025-03-04. Review status: criteria provided, single submitter. Criteria: Invitae Variant Classification Sherloc (09022015). Collection method: clinical testing. Allele origin: germline.
Comment: This sequence change replaces proline, which is neutral and non-polar, with serine, which is neutral and polar, at codon 192 of the FH protein (p.Pro192Ser). This variant is not present in population databases (gnomAD no frequency). This variant has not been reported in the literature in individuals affected with FH-related conditions. ClinVar contains an entry for this variant (Variation ID: 825940). Invitae Evidence Modeling of protein sequence and biophysical properties (such as structural, functional, and spatial information, amino acid conservation, physicochemical variation, residue mobility, and thermodynamic stability) indicates that this missense variant is expected to disrupt FH protein function with a positive predictive value of 95%. RNA analysis performed to evaluate the impact of this missense change on mRNA splicing indicates it does not significantly alter splicing (internal data). This variant disrupts the p.Pro192 amino acid residue in FH. Other variant(s) that disrupt this residue have been determined to be pathogenic (PMID: 15761418, 31831373). This suggests that this residue is clinically significant, and that variants that disrupt this residue are likely to be disease-causing. In summary, the currently available evidence indicates that the variant is pathogenic, but additional data are needed to prove that conclusively. Therefore, this variant has been classified as Likely Pathogenic.

Ambry Genetics
Classification: Uncertain significance for Hereditary cancer-predisposing syndrome. Last evaluated: 2023-06-21. Review status: criteria provided, single submitter. Criteria: Ambry Variant Classification Scheme 2023. Collection method: clinical testing. Allele origin: germline.
Comment: The p.P192S variant (also known as c.574C>T), located in coding exon 5 of the FH gene, results from a C to T substitution at nucleotide position 574. The proline at codon 192 is replaced by serine, an amino acid with similar properties. This amino acid position is highly conserved in available vertebrate species. In addition, this alteration is predicted to be deleterious by in silico analysis. Since supporting evidence is limited at this time, the clinical significance of this alteration remains unclear.

Illumina Laboratory Services, Illumina
Classification: Uncertain significance for Hereditary leiomyomatosis and renal cell cancer. Last evaluated: 2018-01-13. Review status: criteria provided, single submitter. Criteria: ICSL Variant Classification Criteria 13 December 2019. Collection method: clinical testing. Allele origin: germline.

Illumina Laboratory Services, Illumina
Classification: Uncertain significance for Fumarase deficiency. Last evaluated: 2018-01-13. Review status: criteria provided, single submitter. Criteria: ICSL Variant Classification Criteria 13 December 2019. Collection method: clinical testing. Allele origin: germline.

Literature cited by the submitters: PubMed 15761418 (cited by Labcorp Genetics (formerly Invitae), Labcorp); PubMed 31831373 (cited by Labcorp Genetics (formerly Invitae), Labcorp).

NM_000143.4(FH):c.574C>T (p.Pro192Ser)

Gene: FH (fumarate hydratase; minus strand). Cytogenetic location: 1q43.
Variant type: single nucleotide variant.
Coding change: c.574C>T on transcript NM_000143.4 (MANE Select); coding-DNA position 574, C replaced by T.
Protein change: p.Pro192Ser; replaces proline 192 with serine.
Molecular consequence: missense variant.
Genome position (GRCh38, 1-based): chr1:241,508,767, G>A on the plus strand (C>T on the coding strand, the complement: FH is on the minus strand). VCF-style: chr1-241508767-G-A. GRCh37 (hg19) VCF-style: chr1-241672067-G-A.
Other names: short protein forms P192S.
Identifiers: ClinVar variation 825940 (VCV000825940.19), dbSNP rs1573883345, ClinGen allele CA345439470.
Genomic context (GRCh38, chr1:241,508,767, plus strand): 5'-GTAGTCCTGGTAACAGTACTTCATGAACTTCTATTGCAGCAGCAATGTGCATTGCTGTGG[G>A]AAAAGTATCATTTGAGCTCTGTTGGAAATTTTTCAAAAGAAATATAAAATGTTAAATCAG-3'
Protein context (NP_000134.2, residues 182-202): NKSQSSNDTF[Pro192Ser]TAMHIAAAIE